The following is an entry in ClinVar:

ClinVar aggregate classification (germline): Likely benign. Review status: criteria provided, multiple submitters, no conflicts (2 of 4 stars). 4 submissions from 4 submitters: Likely benign (3). 1 of the submissions does not count toward it. Last evaluated 2026-01-25.

Conditions:
Mitochondrial complex II deficiency, nuclear type 1. Also called: SUCCINATE CoQ REDUCTASE DEFICIENCY. Identifiers: Orphanet 3208, MedGen C5700310, MONDO:0100294, OMIM 252011.
Pheochromocytoma/paraganglioma syndrome 5. Also called: SDHA-Related Hereditary Paraganglioma-Pheochromocytoma Syndrome; Paragangliomas 5. Identifiers: Orphanet 29072, MedGen C3279992, MONDO:0013602, OMIM 614165.

Allele frequency attached by ClinVar (database versions not stated): gnomAD 0.00004 and 0.00005; ExAC 0.00005; gnomAD exomes 0.00005 and 0.00006; TOPMed 0.00007; 1000 Genomes Project 30x 0.00031; 1000 Genomes Project 0.00040.
gnomAD v4.1: 80 of 1,613,726 alleles (0.005%); highest among the groups gnomAD compares: East Asian, 0.078%; no homozygotes.

Submissions (4):

Labcorp Genetics (formerly Invitae), Labcorp
Classification: Likely benign for Pheochromocytoma/paraganglioma syndrome 5; Mitochondrial complex II deficiency, nuclear type 1. Last evaluated: 2026-01-25. Review status: criteria provided, single submitter. Criteria: Invitae Variant Classification Sherloc (09022015). Collection method: clinical testing. Allele origin: germline.

Myriad Genetics, Inc.
Classification: Likely benign for Pheochromocytoma/paraganglioma syndrome 5. Last evaluated: 2023-04-21. Review status: criteria provided, single submitter. Criteria: Myriad Autosomal Dominant, Autosomal Recessive and X-Linked Classification Criteria (2023). Collection method: clinical testing. Allele origin: unknown.
Comment: This variant is considered likely benign. This variant is intronic and is not expected to impact mRNA splicing.

GeneDx
Classification: Likely benign. Last evaluated: 2016-04-19. Review status: criteria provided, single submitter. Criteria: GeneDx Variant Classification (06012015). Collection method: clinical testing. Allele origin: germline. Affected: yes.
Comment: This variant is considered likely benign or benign based on one or more of the following criteria: it is a conservative change, it occurs at a poorly conserved position in the protein, it is predicted to be benign by multiple in silico algorithms, and/or has population frequency not consistent with disease.

Counsyl
Classification: Likely benign for Pheochromocytoma/paraganglioma syndrome 5. Last evaluated: 2017-03-02. Review status: no assertion criteria provided. Collection method: clinical testing. Allele origin: unknown. Not counted in ClinVar's aggregate classification.

NM_004168.4(SDHA):c.456+9C>T

Gene: SDHA (succinate dehydrogenase complex flavoprotein subunit A; plus strand). Cytogenetic location: 5p15.33.
Variant type: single nucleotide variant.
Coding change: c.456+9C>T on transcript NM_004168.4 (MANE Select); 9 bases into the intron after coding-DNA position 456, C replaced by T.
Molecular consequence: intron variant.
Genome position (GRCh38, 1-based): chr5:225,571, C>T. VCF-style: chr5-225571-C-T. GRCh37 (hg19) VCF-style: chr5-225686-C-T.
Other names: c.456+9C>T (NM_001330758.2); c.313-312C>T (NM_001294332.2).
Identifiers: ClinVar variation 385656 (VCV000385656.12), dbSNP rs200565489, ClinGen allele CA3172830.